The following is an entry in ClinVar:

NM_002863.5(PYGL):c.772+5G>T

Gene: PYGL (glycogen phosphorylase L; minus strand). Cytogenetic location: 14q22.1.
Variant type: single nucleotide variant.
Coding change: c.772+5G>T on transcript NM_002863.5 (MANE Select); 5 bases into the intron after coding-DNA position 772, G replaced by T.
Molecular consequence: intron variant.
Genome position (GRCh38, 1-based): chr14:50,920,951, C>A on the plus strand (G>T on the coding strand, the complement: PYGL is on the minus strand). VCF-style: chr14-50920951-C-A. GRCh37 (hg19) VCF-style: chr14-51387669-C-A.
Other names: c.670+5G>T (NM_001163940.2).
Identifiers: ClinVar variation 842004 (VCV000842004.7), dbSNP rs2050494485, ClinGen allele CA916083368.
Genomic context (GRCh38, chr14:50,920,951, plus strand): 5'-TTCTAACTACCAATCAAAAAGATTAAGCACACGCATAAAGAAACCAAGGCCTGTGCTGTA[C>A]TCACAGTCTCTGAGGTTAAAGTCATTTGGTGCCCGAGCAGACCAGAGGCGCATGGTGTTG-3'

ClinVar aggregate classification (germline): Uncertain significance (1 of 4 stars; one submission).

Conditions:
Glycogen storage disease, type VI (GSD6). Also called: Hepatic glycogen phosphorylase deficiency; Glycogen storage disease type 6; Glycogen storage disease type 6, due to phosphorylation; GSD VI; HERS DISEASE; PHOSPHORYLASE DEFICIENCY GLYCOGEN-STORAGE DISEASE OF LIVER. Identifiers: Orphanet 369, MedGen C0017925, MONDO:0009294, OMIM 232700.

Allele frequency attached by ClinVar (database versions not stated): gnomAD exomes below 0.00001.
gnomAD v4.1: 1 of 1,606,062 alleles (0.000062%); highest among the groups gnomAD compares: Non-Finnish European, 0.000085%; no homozygotes.

Submission:

Labcorp Genetics (formerly Invitae), Labcorp
Classification: Uncertain significance for Glycogen storage disease, type VI. Last evaluated: 2019-05-20. Review status: criteria provided, single submitter. Criteria: Invitae Variant Classification Sherloc (09022015). Collection method: clinical testing. Allele origin: germline.
Comment: This variant is not present in population databases (ExAC no frequency). This sequence change falls in intron 6 of the PYGL gene. It does not directly change the encoded amino acid sequence of the PYGL protein, but it affects a nucleotide within the consensus splice site of the intron. This variant has not been reported in the literature in individuals with PYGL-related conditions. In summary, the available evidence is currently insufficient to determine the role of this variant in disease. Therefore, it has been classified as a Variant of Uncertain Significance. Nucleotide substitutions within the consensus splice site are a relatively common cause of aberrant splicing (PMID: 17576681, 9536098). Algorithms developed to predict the effect of sequence changes on RNA splicing suggest that this variant may disrupt the consensus splice site, but this prediction has not been confirmed by published transcriptional studies.

Literature cited by the submitters: PubMed 17576681; PubMed 9536098.